The following is an entry in ClinVar:

NM_002335.4(LRP5):c.1737C>T (p.Asp579=)

Gene: LRP5 (LDL receptor related protein 5; plus strand). Cytogenetic location: 11q13.2.
Variant type: single nucleotide variant.
Coding change: c.1737C>T on transcript NM_002335.4 (MANE Select); coding-DNA position 1737, C replaced by T.
Protein change: p.Asp579=; no amino-acid change (aspartic acid 579 retained).
Molecular consequence: synonymous variant. On other transcripts: 5 prime UTR variant (1).
Genome position (GRCh38, 1-based): chr11:68,403,635, C>T. VCF-style: chr11-68403635-C-T. GRCh37 (hg19) VCF-style: chr11-68171103-C-T.
Other names: c.-201C>T (NM_001291902.2); c.1737C>T (NM_002335.3).
Identifiers: ClinVar variation 2421904 (VCV002421904.9), dbSNP rs758798637, ClinGen allele CA6149419.

ClinVar aggregate classification (germline): Likely benign. Review status: criteria provided, multiple submitters, no conflicts (2 of 4 stars). 3 submissions from 3 submitters: Likely benign (3). Last evaluated 2024-10-30.

Conditions:
LRP5-related disorder. Also called: LRP5-related condition.

Allele frequency attached by ClinVar (database versions not stated): gnomAD exomes 0.00001; ExAC 0.00002; TOPMed 0.00002; gnomAD 0.00003.
gnomAD v4.1: 15 of 1,614,066 alleles (0.00093%); highest among the groups gnomAD compares: African/African-American, 0.0067%; no homozygotes.

Submissions (3):

PreventionGenetics, part of Exact Sciences
Classification: Likely benign for LRP5-related condition. Last evaluated: 2024-10-30. Review status: criteria provided, single submitter. Criteria: ACMG Guidelines, 2015. Collection method: clinical testing. Allele origin: germline.
Comment: This variant is classified as likely benign based on ACMG/AMP sequence variant interpretation guidelines (Richards et al. 2015 PMID: 25741868, with internal and published modifications).

Labcorp Genetics (formerly Invitae), Labcorp
Classification: Likely benign. Last evaluated: 2024-02-24. Review status: criteria provided, single submitter. Criteria: Invitae Variant Classification Sherloc (09022015). Collection method: clinical testing. Allele origin: germline.

Blueprint Genetics
Classification: Likely benign. Last evaluated: 2021-07-20. Review status: criteria provided, single submitter. Criteria: ACMG Guidelines, 2015. Collection method: clinical testing. Allele origin: germline.